The following is an entry in ClinVar:

NM_001148.6(ANK2):c.10367del (p.Gly3456fs)

Gene: ANK2 (ankyrin 2; plus strand). Cytogenetic location: 4q26.
Variant type: Deletion.
Coding change: c.10367del on transcript NM_001148.6 (MANE Select); coding-DNA position 10367, one base deleted (G; older notation c.10367delG).
Protein change: p.Gly3456fs; shifts the reading frame from glycine 3456.
Molecular consequence: frameshift variant. On other transcripts: intron variant (68).
Genome position (GRCh38, 1-based): chr4:113,358,985, G deleted; the last of 7 consecutive G bases (chr4:113,358,979-113,358,985); deleting any one gives the same sequence. VCF-style (leftmost placement, unchanged base first): chr4-113358978-AG-A. GRCh37 (hg19) VCF-style: chr4-114280134-AG-A.
Other names: c.10133del, p.Gly3378fs (NM_001386142.1); c.6767del, p.Gly2256fs (NM_001386166.1); c.10508del, p.Gly3503fs (NM_001386174.1); c.10484del, p.Gly3495fs (NM_001386175.1); c.4412-1838del (NM_001386186.2, NM_001386148.2); c.4214-1838del (NM_001354269.3); c.4292-1838del (NM_001386187.2); c.4253-1838del (NM_001386147.1); and 35 more; short protein forms G2256fs, G3378fs, G3456fs, G3495fs, G3503fs.
Identifiers: ClinVar variation 1342783 (VCV001342783.4), dbSNP rs750143580, ClinGen allele CA440880484.
Genomic context (GRCh38, chr4:113,358,978, plus strand): 5'-AGACCAAAGATACTTACATCCCGATTGCCAGTTAAGAGCAGAAGCACTACATCTTCCTGC[AG>A]GGGGGGCACGAGCCCCACAAAAGAAAGTAAGGAGCATTTCTTTGACCTTTACAGAAATTC-3'

ClinVar aggregate classification (germline): Pathogenic/Likely pathogenic. Review status: criteria provided, multiple submitters, no conflicts (2 of 4 stars). 2 submissions from 2 submitters: Pathogenic (1); Likely pathogenic (1). Last evaluated 2022-04-14.

Conditions:
ANK2-related disorder. Also called: ANK2-related condition.

Submissions (2):

GeneDx
Classification: Pathogenic. Last evaluated: 2022-04-14. Review status: criteria provided, single submitter. Criteria: GeneDx Variant Classification Process June 2021. Collection method: clinical testing. Allele origin: germline. Affected: yes.
Comment: Identified in an individual with a neurodevelopmental disorder, but segregation and detailed clinical information was not provided (Wang et al., 2020); Frameshift variant predicted to result in protein truncation or nonsense mediated decay in a gene for which loss of function is a known mechanism of disease; Not observed in large population cohorts (gnomAD); This variant is associated with the following publications: (PMID: 33004838)

Blueprint Genetics
Classification: Likely pathogenic for ANK2-related disorders. Last evaluated: 2021-09-24. Review status: criteria provided, single submitter. Criteria: ACMG Guidelines, 2015. Collection method: clinical testing. Allele origin: germline. Affected: yes. Observed: 1 variant allele.